The following is an entry in ClinVar:

NM_015559.3(SETBP1):c.3634C>T (p.His1212Tyr)

Gene: SETBP1 (SET binding protein 1; plus strand). Cytogenetic location: 18q12.3.
Variant type: single nucleotide variant.
Coding change: c.3634C>T on transcript NM_015559.3 (MANE Select); coding-DNA position 3634, C replaced by T.
Protein change: p.His1212Tyr; replaces histidine 1212 with tyrosine.
Molecular consequence: missense variant.
Genome position (GRCh38, 1-based): chr18:44,952,974, C>T. VCF-style: chr18-44952974-C-T. GRCh37 (hg19) VCF-style: chr18-42532939-C-T.
Other names: c.3634C>T, p.His1212Tyr (NM_001379141.1, NM_001379142.1, NM_001410862.1); short protein forms H1212Y.
Identifiers: ClinVar variation 3661640 (VCV003661640.2).

ClinVar aggregate classification (germline): Uncertain significance (1 of 4 stars; one submission).

Submission:

Labcorp Genetics (formerly Invitae), Labcorp
Classification: Uncertain significance. Last evaluated: 2024-08-19. Review status: criteria provided, single submitter. Criteria: Invitae Variant Classification Sherloc (09022015). Collection method: clinical testing. Allele origin: germline.
Comment: This sequence change replaces histidine, which is basic and polar, with tyrosine, which is neutral and polar, at codon 1212 of the SETBP1 protein (p.His1212Tyr). This variant is not present in population databases (gnomAD no frequency). This variant has not been reported in the literature in individuals affected with SETBP1-related conditions. An algorithm developed to predict the effect of missense changes on protein structure and function outputs the following: PolyPhen-2: "Possibly Damaging". The tyrosine amino acid residue is found in multiple mammalian species, which suggests that this missense change does not adversely affect protein function. In summary, the available evidence is currently insufficient to determine the role of this variant in disease. Therefore, it has been classified as a Variant of Uncertain Significance.